The following is an entry in ClinVar:

NM_152703.5(SAMD9L):c.2192C>T (p.Pro731Leu)

Gene: SAMD9L (sterile alpha motif domain containing 9 like; minus strand). Cytogenetic location: 7q21.2.
Variant type: single nucleotide variant.
Coding change: c.2192C>T on transcript NM_152703.5 (MANE Select); coding-DNA position 2192, C replaced by T.
Protein change: p.Pro731Leu; replaces proline 731 with leucine.
Molecular consequence: missense variant.
Genome position (GRCh38, 1-based): chr7:93,133,780, G>A on the plus strand (C>T on the coding strand, the complement: SAMD9L is on the minus strand). VCF-style: chr7-93133780-G-A. GRCh37 (hg19) VCF-style: chr7-92763093-G-A.
Other names: c.2192C>T, p.Pro731Leu (NM_001303496.3, NM_001303497.3, NM_001303498.3 and 5 more transcripts); short protein forms P731L.
Identifiers: ClinVar variation 3949916 (VCV003949916.1).
Genomic context (GRCh38, chr7:93,133,780, plus strand): 5'-GCCAGTGTGGTACCTCCACAGCCTGGATGATGATAAAGATTGATGATTTTTGCAAATATT[G>A]GTTTAGGAGACTCTGCCCAGCAGTGTATTAAATCTTTAAGCTTTTCATAACTGTCCCTTT-3'
Protein context (NP_689916.2, residues 721-741): LIHCWAESPK[Pro731Leu]IFAKIINLYH

ClinVar aggregate classification (germline): Uncertain significance (1 of 4 stars; one submission).

Conditions:
Inborn genetic diseases. Identifiers: MedGen C0950123, MeSH D030342.

gnomAD v4.1: 5 of 1,613,788 alleles (0.00031%); highest among the groups gnomAD compares: East Asian, 0.011%; no homozygotes.

Submission:

Ambry Genetics
Classification: Uncertain significance for Inborn genetic diseases. Last evaluated: 2025-05-15. Review status: criteria provided, single submitter. Criteria: Ambry Variant Classification Scheme 2023. Collection method: clinical testing. Allele origin: germline.
Comment: The p.P731L variant (also known as c.2192C>T), located in coding exon 1 of the SAMD9L gene, results from a C to T substitution at nucleotide position 2192. The proline at codon 731 is replaced by leucine, an amino acid with similar properties. This amino acid position is conserved. In addition, this alteration is predicted to be tolerated by in silico analysis. Based on the available evidence, the clinical significance of this variant remains unclear.